The following is an entry in ClinVar:

NM_001358530.2(MOCS1):c.282G>A (p.Pro94=)

Gene: MOCS1 (molybdenum cofactor synthesis 1; minus strand). Cytogenetic location: 6p21.2.
Variant type: single nucleotide variant.
Coding change: c.282G>A on transcript NM_001358530.2 (MANE Select); coding-DNA position 282, G replaced by A.
Protein change: p.Pro94=; no amino-acid change (proline 94 retained).
Molecular consequence: synonymous variant. On other transcripts: non-coding transcript variant (1).
Genome position (GRCh38, 1-based): chr6:39,925,814, C>T on the plus strand (G>A on the coding strand, the complement: MOCS1 is on the minus strand). VCF-style: chr6-39925814-C-T. GRCh37 (hg19) VCF-style: chr6-39893558-C-T.
Other names: p.Pro94=; c.282G>A, p.Pro94= (NM_001075098.4, NM_001358529.2, NM_005943.6); c.21G>A, p.Pro7= (NM_001358531.2, NM_001358533.2, NM_001358534.2).
Identifiers: ClinVar variation 905836 (VCV000905836.40), dbSNP rs145146059, ClinGen allele CA3796355.
Genomic context (GRCh38, chr6:39,925,814, plus strand): 5'-AAAGAGCCGGGCGAGGGTCAGGATCTCCTCTGTGGTCAGCAGGTTGGCTTTGGGGGTCAG[C>T]GGGACCCCCTCCTCGGGCATGCAGTACTGACCTGAGGGAAGGATGAATGGGAATGTGGAG-3'
Protein context (NP_001345459.1, residues 84-104): CQYCMPEEGV[Pro94=]LTPKANLLTT

ClinVar aggregate classification (germline): Conflicting classifications of pathogenicity. Review status: criteria provided, conflicting classifications (1 of 4 stars). 6 submissions from 6 submitters: Uncertain significance (1); Benign (1); Likely benign (3). 1 of the submissions does not count toward it. Last evaluated 2026-02-02.

Conditions:
Sulfite oxidase deficiency due to molybdenum cofactor deficiency type A. Also called: Molybdenum cofactor deficiency, complementation group A; Molybdenum Cofactor Deficiency A. Identifiers: Orphanet 308386, Orphanet 833, MedGen C1854988, MONDO:0009643, OMIM 252150.
MOCS1-related disorder. Also called: MOCS1-related condition.

Allele frequency attached by ClinVar (database versions not stated): gnomAD exomes 0.00032 and 0.00051; ESP Exome Variant Server 0.00038; ExAC 0.00041; gnomAD 0.00054 and 0.00056; TOPMed 0.00064; 1000 Genomes Project 0.00120; 1000 Genomes Project 30x 0.00141.
gnomAD v4.1: 562 of 1,612,532 alleles (0.035%); highest among the groups gnomAD compares: Middle Eastern, 0.21%; 1 homozygote.

Submissions (6):

Labcorp Genetics (formerly Invitae), Labcorp
Classification: Benign for Sulfite oxidase deficiency due to molybdenum cofactor deficiency type A. Last evaluated: 2026-02-02. Review status: criteria provided, single submitter. Criteria: Invitae Variant Classification Sherloc (09022015). Collection method: clinical testing. Allele origin: germline.

CeGaT Center for Human Genetics Tuebingen
Classification: Likely benign. Last evaluated: 2025-08-01. Review status: criteria provided, single submitter. Criteria: CeGaT Center For Human Genetics Tuebingen Variant Classification Criteria Version 2. Collection method: clinical testing. Allele origin: germline. Affected: yes. Observed: 2 variant alleles.
Comment: MOCS1: BP4, BP7

Mayo Clinic Laboratories, Mayo Clinic
Classification: Likely benign. Last evaluated: 2025-03-11. Review status: criteria provided, single submitter. Criteria: ACMG Guidelines, 2015. Collection method: clinical testing. Allele origin: germline. Observed: 1 variant allele.
Comment: BS1, BP4, BP7

Blueprint Genetics
Classification: Likely benign. Last evaluated: 2024-10-15. Review status: criteria provided, single submitter. Criteria: ACMG Guidelines, 2015. Collection method: clinical testing. Allele origin: germline.

Illumina Laboratory Services, Illumina
Classification: Uncertain significance for Sulfite oxidase deficiency due to molybdenum cofactor deficiency type A. Last evaluated: 2018-01-13. Review status: criteria provided, single submitter. Criteria: ICSL Variant Classification Criteria 13 December 2019. Collection method: clinical testing. Allele origin: germline.

PreventionGenetics, part of Exact Sciences
Classification: Likely benign for MOCS1-related condition. Last evaluated: 2023-01-06. Review status: no assertion criteria provided. Collection method: clinical testing. Allele origin: germline. Not counted in ClinVar's aggregate classification.
Comment: This variant is classified as likely benign based on ACMG/AMP sequence variant interpretation guidelines (Richards et al. 2015 PMID: 25741868, with internal and published modifications).